The following is an entry in ClinVar:

NM_018706.7(DHTKD1):c.2318C>T (p.Pro773Leu)

Gene: DHTKD1 (dehydrogenase E1 and transketolase domain containing 1; plus strand). Cytogenetic location: 10p14.
Variant type: single nucleotide variant.
Coding change: c.2318C>T on transcript NM_018706.7 (MANE Select); coding-DNA position 2318, C replaced by T.
Protein change: p.Pro773Leu; replaces proline 773 with leucine.
Molecular consequence: missense variant.
Genome position (GRCh38, 1-based): chr10:12,113,063, C>T. VCF-style: chr10-12113063-C-T. GRCh37 (hg19) VCF-style: chr10-12155062-C-T.
Other names: short protein forms P773L.
Identifiers: ClinVar variation 420289 (VCV000420289.31), dbSNP rs200355418, ClinGen allele CA5408199.

ClinVar aggregate classification (germline): Uncertain significance. Review status: criteria provided, multiple submitters, no conflicts (2 of 4 stars). 5 submissions from 5 submitters: Uncertain significance (5). Last evaluated 2025-09-23.

Conditions:
2-aminoadipic 2-oxoadipic aciduria (AAKAD). Also called: Aminoadipic aciduria; ALPHA-AMINOADIPIC AND ALPHA-KETOADIPIC ACIDURIA. Identifiers: Orphanet 79154, MedGen C1859817, MONDO:0008774, OMIM 204750.

Allele frequency attached by ClinVar (database versions not stated): gnomAD 0.00003 and 0.00007; ExAC 0.00005; gnomAD exomes 0.00005 and 0.00011; TOPMed 0.00008.
gnomAD v4.1: 159 of 1,602,272 alleles (0.0099%); highest among the groups gnomAD compares: South Asian, 0.02%; 1 homozygote.

Submissions (5):

Labcorp Genetics (formerly Invitae), Labcorp
Classification: Uncertain significance for 2-aminoadipic 2-oxoadipic aciduria. Last evaluated: 2025-09-23. Review status: criteria provided, single submitter. Criteria: Invitae Variant Classification Sherloc (09022015). Collection method: clinical testing. Allele origin: germline.
Comment: This sequence change replaces proline, which is neutral and non-polar, with leucine, which is neutral and non-polar, at codon 773 of the DHTKD1 protein (p.Pro773Leu). This variant is present in population databases (rs200355418, gnomAD 0.02%). This missense change has been observed in individual(s) with alpha-aminoadipic and alpha-ketoadipic aciduria (PMID: 25860818). ClinVar contains an entry for this variant (Variation ID: 420289). An algorithm developed to predict the effect of missense changes on protein structure and function (PolyPhen-2) suggests that this variant is likely to be disruptive. Experimental studies have shown that this missense change affects DHTKD1 function (PMID: 35897808). In summary, the available evidence is currently insufficient to determine the role of this variant in disease. Therefore, it has been classified as a Variant of Uncertain Significance.

Women's Health and Genetics/Laboratory Corporation of America, LabCorp
Classification: Uncertain significance. Last evaluated: 2025-03-05. Review status: criteria provided, single submitter. Criteria: LabCorp Variant Classification Summary - May 2015. Collection method: clinical testing. Allele origin: germline.
Comment: Variant summary: DHTKD1 c.2318C>T (p.Pro773Leu) results in a non-conservative amino acid change in the encoded protein sequence. Five of five in-silico tools predict a damaging effect of the variant on protein function. Consensus agreement among computation tools predict no significant impact on normal splicing. However, these predictions have yet to be confirmed by functional studies. The variant allele was found at a frequency of 5e-05 in 239138 control chromosomes. This frequency is not significantly higher than estimated for a pathogenic variant in DHTKD1 causing 2-aminoadipic 2-oxoadipic aciduria (5e-05 vs 0.0011), allowing no conclusion about variant significance. c.2318C>T has been reported in the literature in at least one compound heterozygous individual affected with 2-aminoadipic 2-oxoadipic aciduria (Hagen_2015). These data do not allow any conclusion about variant significance. At least one publication reports experimental evidence evaluating an impact on protein function, finding substantially reduced enzymatic activity (Leandro_2020, Nemeria_2022). The following publications have been ascertained in the context of this evaluation (PMID: 25860818, 32633484, 35897808). ClinVar contains an entry for this variant (Variation ID: 420289). Based on the evidence outlined above, the variant was classified as VUS-possibly pathogenic.

CeGaT Center for Human Genetics Tuebingen
Classification: Uncertain significance. Last evaluated: 2024-06-01. Review status: criteria provided, single submitter. Criteria: CeGaT Center For Human Genetics Tuebingen Variant Classification Criteria Version 2. Collection method: clinical testing. Allele origin: germline. Affected: yes. Observed: 1 variant allele.
Comment: DHTKD1: PM2, PM3

Mayo Clinic Laboratories, Mayo Clinic
Classification: Uncertain significance. Last evaluated: 2021-03-12. Review status: criteria provided, single submitter. Criteria: ACMG Guidelines, 2015. Collection method: clinical testing. Allele origin: germline. Observed: 1 variant allele.

GeneDx
Classification: Uncertain significance. Last evaluated: 2016-01-04. Review status: criteria provided, single submitter. Criteria: GeneDx Variant Classification (06012015). Collection method: clinical testing. Allele origin: germline. Affected: yes.
Comment: The P773L variant in the DHTKD1 gene has been reported previously in association with 2-aminoadipic and 2-ketoadipic aciduria, in an affected individual with severe intellectual disability, autism, severe obstipation and epileptic seizures who was heterozygous for the P773L variant and another variant (Hagen et al., 2015). The P773L variant was not observed in approximately 6,500 individuals of European and African American ancestry in the NHLBI Exome Sequencing Project, indicating it is not a common benign variant in these populations. The P773L variant is a semi-conservative amino acid substitution, which may impact secondary protein structure as these residues differ in some properties. This substitution occurs at a position that is conserved in mammals. In silico analysis is inconsistent in its predictions as to whether or not the variant is damaging to the protein structure/function. We interpret P773L as a variant of uncertain significance.

Literature cited by the submitters: PubMed 25860818 (cited by Labcorp Genetics (formerly Invitae), Labcorp and Women's Health and Genetics/Laboratory Corporation of America, LabCorp); PubMed 35897808 (cited by Labcorp Genetics (formerly Invitae), Labcorp and Women's Health and Genetics/Laboratory Corporation of America, LabCorp); PubMed 32633484 (cited by Women's Health and Genetics/Laboratory Corporation of America, LabCorp).